The following is an entry in ClinVar:

ClinVar aggregate classification (germline): Conflicting classifications of pathogenicity. Review status: criteria provided, conflicting classifications (1 of 4 stars). 3 submissions from 3 submitters: Uncertain significance (2); Likely benign (1). Last evaluated 2025-05-16.

Conditions:
Hereditary cancer-predisposing syndrome. Also called: Hereditary neoplastic syndrome; Tumor predisposition; Neoplastic Syndromes, Hereditary; Hereditary Cancer Syndrome. Identifiers: Orphanet 140162, MedGen C0027672, MeSH D009386, MONDO:0015356.
Hereditary breast ovarian cancer syndrome. Also called: Hereditary breast and ovarian cancer syndrome; Breast and ovarian cancer; Hereditary breast and ovarian cancer; Hereditary breast and/or ovarian cancer syndrome; Hereditary breast and ovarian cancer syndrome (HBOC); BRCA1- and BRCA2-Associated Hereditary Breast and Ovarian Cancer. Identifiers: Orphanet 145, MedGen C0677776, MeSH D061325, MONDO:0003582. Disease mechanism: loss of function.

Submissions (3):

Ambry Genetics
Classification: Uncertain significance for Hereditary cancer-predisposing syndrome. Last evaluated: 2025-05-16. Review status: criteria provided, single submitter. Criteria: Ambry Variant Classification Scheme 2023. Collection method: clinical testing. Allele origin: germline.
Comment: The p.Y1220C variant (also known as c.3659A>G), located in coding exon 10 of the BRCA2 gene, results from an A to G substitution at nucleotide position 3659. The tyrosine at codon 1220 is replaced by cysteine, an amino acid with highly dissimilar properties. This amino acid position is not well conserved in available vertebrate species. In addition, the in silico prediction for this alteration is inconclusive. Based on the available evidence, the clinical significance of this variant remains unclear.

University of Washington Department of Laboratory Medicine, University of Washington
Classification: Likely benign for Hereditary cancer-predisposing syndrome. Last evaluated: 2023-03-23. Review status: criteria provided, single submitter. Criteria: Dines et al. (Genet Med. 2020). Collection method: curation. Allele origin: germline.
Comment: Missense variant in a coldspot region where missense variants are very unlikely to be pathogenic (PMID:31911673).

BRCA2 exon 11 coldspot. Reclassification based on statistical prior probability.

Labcorp Genetics (formerly Invitae), Labcorp
Classification: Uncertain significance for Hereditary breast ovarian cancer syndrome. Last evaluated: 2022-10-31. Review status: criteria provided, single submitter. Criteria: Invitae Variant Classification Sherloc (09022015). Collection method: clinical testing. Allele origin: germline.
Comment: In summary, the available evidence is currently insufficient to determine the role of this variant in disease. Therefore, it has been classified as a Variant of Uncertain Significance. Advanced modeling of protein sequence and biophysical properties (such as structural, functional, and spatial information, amino acid conservation, physicochemical variation, residue mobility, and thermodynamic stability) performed at Invitae indicates that this missense variant is not expected to disrupt BRCA2 protein function. ClinVar contains an entry for this variant (Variation ID: 569398). This variant has not been reported in the literature in individuals affected with BRCA2-related conditions. This variant is not present in population databases (gnomAD no frequency). This sequence change replaces tyrosine, which is neutral and polar, with cysteine, which is neutral and slightly polar, at codon 1220 of the BRCA2 protein (p.Tyr1220Cys).

NM_000059.4(BRCA2):c.3659A>G (p.Tyr1220Cys)

Gene: BRCA2 (BRCA2 DNA repair associated; plus strand). Cytogenetic location: 13q13.1.
Variant type: single nucleotide variant.
Coding change: c.3659A>G on transcript NM_000059.4 (MANE Select); coding-DNA position 3659, A replaced by G.
Protein change: p.Tyr1220Cys; replaces tyrosine 1220 with cysteine.
Molecular consequence: missense variant.
Genome position (GRCh38, 1-based): chr13:32,338,014, A>G. VCF-style: chr13-32338014-A-G. GRCh37 (hg19) VCF-style: chr13-32912151-A-G.
Other names: short protein forms Y1220C.
Identifiers: ClinVar variation 569398 (VCV000569398.11), dbSNP rs1566228915, ClinGen allele CA387777971.